The following is an entry in ClinVar:

NM_001386298.1(CIC):c.4946C>T (p.Pro1649Leu)

Gene: CIC (capicua transcriptional repressor; plus strand). Cytogenetic location: 19q13.2.
Variant type: single nucleotide variant.
Coding change: c.4946C>T on transcript NM_001386298.1 (MANE Select); coding-DNA position 4946, C replaced by T.
Protein change: p.Pro1649Leu; replaces proline 1649 with leucine.
Molecular consequence: missense variant.
Genome position (GRCh38, 1-based): chr19:42,290,987, C>T. VCF-style: chr19-42290987-C-T. GRCh37 (hg19) VCF-style: chr19-42795139-C-T.
Other names: c.4946C>T, p.Pro1649Leu (NM_001304815.2, NM_001379480.1, NM_001379482.1); c.2219C>T, p.Pro740Leu (NM_001379484.1, NM_001379485.1, NM_015125.5); short protein forms P1649L, P740L.
Identifiers: ClinVar variation 1033733 (VCV001033733.1), dbSNP rs2038053328, ClinGen allele CA406110039.
Genomic context (GRCh38, chr19:42,290,987, plus strand): 5'-GCTCCCCGCTGGGTGTCAGCTTAGTGTATTCGGACAAGAAGTCGGCAGCAGCCACCTCAC[C>T]AGCCCCACACTTGGTGGCTGGACCCCTGCTGGGCACTGTGGGGAAGGCGCCTGCCACTGT-3'
Protein context (NP_001373227.1, residues 1639-1659): SDKKSAAATS[Pro1649Leu]APHLVAGPLL

ClinVar aggregate classification (germline): Uncertain significance (1 of 4 stars; one submission).

Conditions:
Intellectual developmental disorder, autosomal dominant 45. Also called: MENTAL RETARDATION, AUTOSOMAL DOMINANT 45; Intellectual disability, autosomal dominant 45. Identifiers: MedGen C4539848, MONDO:0030910, OMIM 617600.

Submission:

Baylor Genetics
Classification: Uncertain significance for Intellectual developmental disorder, autosomal dominant 45. Last evaluated: 2018-02-08. Review status: criteria provided, single submitter. Criteria: ACMG Guidelines, 2015. Collection method: clinical testing. Allele origin: de novo. Affected: yes.
Comment: This variant was determined to be of uncertain significance according to ACMG Guidelines, 2015 [PMID:25741868].